The following is an entry in ClinVar:

NM_000182.5(HADHA):c.2209G>C (p.Glu737Gln)

Genes: HADHA (hydroxyacyl-CoA dehydrogenase trifunctional multienzyme complex subunit alpha; minus strand), GAREM2 (GRB2 associated regulator of MAPK1 subtype 2; plus strand). Cytogenetic location: 2p23.3.
Variant type: single nucleotide variant.
Coding change: c.2209G>C on transcript NM_000182.5 (MANE Select); coding-DNA position 2209, G replaced by C.
Protein change: p.Glu737Gln; replaces glutamic acid 737 with glutamine.
Molecular consequence: missense variant.
Genome position (GRCh38, 1-based): chr2:26,191,333, C>G on the plus strand (G>C on the coding strand, the complement: HADHA is on the minus strand). VCF-style: chr2-26191333-C-G. GRCh37 (hg19) VCF-style: chr2-26414202-C-G.
Other names: short protein forms E737Q.
Identifiers: ClinVar variation 2187702 (VCV002187702.4), dbSNP rs770871669, ClinGen allele CA346111597.

ClinVar aggregate classification (germline): Uncertain significance (1 of 4 stars; one submission).

Conditions:
Long chain 3-hydroxyacyl-CoA dehydrogenase deficiency. Also called: Deficiency of long-chain 3-hydroxyacyl-coenzyme A dehydrogenase; LCHAD Deficiency. Identifiers: Orphanet 5, MedGen C3711645, MONDO:0012173, OMIM 609016.
Mitochondrial trifunctional protein deficiency. Identifiers: Orphanet 746, MedGen C1969443, MONDO:0012172.

Submission:

Labcorp Genetics (formerly Invitae), Labcorp
Classification: Uncertain significance for Mitochondrial trifunctional protein deficiency; Long chain 3-hydroxyacyl-CoA dehydrogenase deficiency. Last evaluated: 2022-01-21. Review status: criteria provided, single submitter. Criteria: Invitae Variant Classification Sherloc (09022015). Collection method: clinical testing. Allele origin: germline.
Comment: This sequence change replaces glutamic acid, which is acidic and polar, with glutamine, which is neutral and polar, at codon 737 of the HADHA protein (p.Glu737Gln). This variant is not present in population databases (gnomAD no frequency). This variant has not been reported in the literature in individuals affected with HADHA-related conditions. Advanced modeling of protein sequence and biophysical properties (such as structural, functional, and spatial information, amino acid conservation, physicochemical variation, residue mobility, and thermodynamic stability) performed at Invitae indicates that this missense variant is not expected to disrupt HADHA protein function. In summary, the available evidence is currently insufficient to determine the role of this variant in disease. Therefore, it has been classified as a Variant of Uncertain Significance.